The following is an entry in ClinVar:

ClinVar aggregate classification (germline): Uncertain significance (1 of 4 stars; one submission).

Conditions:
Microcephaly, normal intelligence and immunodeficiency (NBS). Also called: Ataxia telangiectasia variant V1; IMMUNODEFICIENCY, MICROCEPHALY, AND CHROMOSOMAL INSTABILITY; SEEMANOVA SYNDROME II; Nijmegen breakage syndrome; Microcephaly with normal intelligence immunodeficiency and lymphoreticular malignancies; Nonsyndromal microcephaly autosomal recessive with normal intelligence. Identifiers: Orphanet 647, MedGen C0398791, MONDO:0009623, OMIM 251260.

Submission:

Labcorp Genetics (formerly Invitae), Labcorp
Classification: Uncertain significance for Microcephaly, normal intelligence and immunodeficiency. Last evaluated: 2021-08-26. Review status: criteria provided, single submitter. Criteria: Invitae Variant Classification Sherloc (09022015). Collection method: clinical testing. Allele origin: germline.
Comment: This sequence change replaces valine with isoleucine at codon 210 of the NBN protein (p.Val210Ile). The valine residue is weakly conserved and there is a small physicochemical difference between valine and isoleucine. This variant is not present in population databases (ExAC no frequency). This variant has not been reported in the literature in individuals affected with NBN-related conditions. ClinVar contains an entry for this variant (Variation ID: 924457). Algorithms developed to predict the effect of missense changes on protein structure and function output the following: SIFT: "Tolerated"; PolyPhen-2: "Benign"; Align-GVGD: "Class C0". The isoleucine amino acid residue is found in multiple mammalian species, which suggests that this missense change does not adversely affect protein function. In summary, the available evidence is currently insufficient to determine the role of this variant in disease. Therefore, it has been classified as a Variant of Uncertain Significance.

NM_002485.5(NBN):c.628G>A (p.Val210Ile)

Gene: NBN (nibrin; minus strand). Cytogenetic location: 8q21.3.
Variant type: single nucleotide variant.
Coding change: c.628G>A on transcript NM_002485.5 (MANE Select); coding-DNA position 628, G replaced by A.
Protein change: p.Val210Ile; replaces valine 210 with isoleucine.
Molecular consequence: missense variant.
Genome position (GRCh38, 1-based): chr8:89,971,247, C>T on the plus strand (G>A on the coding strand, the complement: NBN is on the minus strand). VCF-style: chr8-89971247-C-T. GRCh37 (hg19) VCF-style: chr8-90983475-C-T.
Other names: c.382G>A, p.Val128Ile (NM_001024688.3); short protein forms V210I, V128I.
Identifiers: ClinVar variation 924457 (VCV000924457.6), dbSNP rs61754796, ClinGen allele CA371659212.